The following is an entry in ClinVar:

ClinVar aggregate classification (germline): Uncertain significance (1 of 4 stars; one submission).

Conditions:
Xeroderma pigmentosum, group F (XPF). Also called: XERODERMA PIGMENTOSUM, COMPLEMENTATION GROUP F; XERODERMA PIGMENTOSUM VI; XP, GROUP F; ERCC4-Related Xeroderma Pigmentosum; XERODERMA PIGMENTOSUM, TYPE F; Xeroderma pigmentosum, type 6. Identifiers: MedGen C0268140, MONDO:0010215, OMIM 278760.
Fanconi anemia complementation group Q. Identifiers: Orphanet 84, MedGen C3808988, MONDO:0014108, OMIM 615272.
Cockayne syndrome. Identifiers: Orphanet 191, MedGen C0009207, MONDO:0016006.

Allele frequency attached by ClinVar (database versions not stated): gnomAD exomes below 0.00001.

Submission:

Labcorp Genetics (formerly Invitae), Labcorp
Classification: Uncertain significance for Fanconi anemia complementation group Q; Xeroderma pigmentosum, group F; Cockayne syndrome. Last evaluated: 2023-05-27. Review status: criteria provided, single submitter. Criteria: Invitae Variant Classification Sherloc (09022015). Collection method: clinical testing. Allele origin: germline.
Comment: Advanced modeling of protein sequence and biophysical properties (such as structural, functional, and spatial information, amino acid conservation, physicochemical variation, residue mobility, and thermodynamic stability) performed at Invitae indicates that this missense variant is not expected to disrupt ERCC4 protein function. In summary, the available evidence is currently insufficient to determine the role of this variant in disease. Therefore, it has been classified as a Variant of Uncertain Significance. This variant has not been reported in the literature in individuals affected with ERCC4-related conditions. This variant is not present in population databases (gnomAD no frequency). This sequence change replaces glutamic acid, which is acidic and polar, with glutamine, which is neutral and polar, at codon 25 of the ERCC4 protein (p.Glu25Gln).

NM_005236.3(ERCC4):c.73G>C (p.Glu25Gln)

Genes: ERCC4 (ERCC excision repair 4, endonuclease catalytic subunit; plus strand), LOC130058543 (ATAC-STARR-seq lymphoblastoid active region 10486; plus strand). Cytogenetic location: 16p13.12.
Variant type: single nucleotide variant.
Coding change: c.73G>C on transcript NM_005236.3 (MANE Select); coding-DNA position 73, G replaced by C.
Protein change: p.Glu25Gln; replaces glutamic acid 25 with glutamine.
Molecular consequence: missense variant.
Genome position (GRCh38, 1-based): chr16:13,920,238, G>C. VCF-style: chr16-13920238-G-C. GRCh37 (hg19) VCF-style: chr16-14014095-G-C.
Other names: short protein forms E25Q.
Identifiers: ClinVar variation 2943096 (VCV002943096.3), dbSNP rs560047653, ClinGen allele CA394816053.
Genomic context (GRCh38, chr16:13,920,238, plus strand): 5'-CAGCCGGCTCGACGGATTGCCATGGCGCCGCTGCTGGAGTACGAGCGACAGCTGGTGCTG[G>C]AACTGCTCGACACTGACGGGCTAGTAGTGTGCGCCCGCGGGCTCGGCGCGGACCGGCTCC-3'
Protein context (NP_005227.1, residues 15-35): LLEYERQLVL[Glu25Gln]LLDTDGLVVC